The following is an entry in ClinVar:

ClinVar aggregate classification (germline): Uncertain significance (1 of 4 stars; one submission).

Submission:

GeneDx
Classification: Uncertain significance. Last evaluated: 2023-10-26. Review status: criteria provided, single submitter. Criteria: GeneDx Variant Classification Process June 2021. Collection method: clinical testing. Allele origin: germline. Affected: yes.
Comment: Not observed at significant frequency in large population cohorts (gnomAD); In silico analysis supports that this missense variant has a deleterious effect on protein structure/function; Has not been previously published as pathogenic or benign to our knowledge

NM_001270.4(CHD1):c.2026G>T (p.Gly676Cys)

Gene: CHD1 (chromodomain helicase DNA binding protein 1; minus strand). Cytogenetic location: 5q15.
Variant type: single nucleotide variant.
Coding change: c.2026G>T on transcript NM_001270.4 (MANE Select); coding-DNA position 2026, G replaced by T.
Protein change: p.Gly676Cys; replaces glycine 676 with cysteine.
Molecular consequence: missense variant. On other transcripts: non-coding transcript variant (2).
Genome position (GRCh38, 1-based): chr5:98,892,679, C>A on the plus strand (G>T on the coding strand, the complement: CHD1 is on the minus strand). VCF-style: chr5-98892679-C-A. GRCh37 (hg19) VCF-style: chr5-98228383-C-A.
Other names: c.2026G>T, p.Gly676Cys (NM_001364113.3, NM_001376194.2); short protein forms G676C.
Identifiers: ClinVar variation 3363352 (VCV003363352.1).